The following is an entry in ClinVar:

ClinVar aggregate classification (germline): Conflicting classifications of pathogenicity. Review status: criteria provided, conflicting classifications (1 of 4 stars). 4 submissions from 4 submitters: Uncertain significance (1); Likely benign (3). Last evaluated 2026-01-05.

Conditions:
Progressive familial heart block type IB (PFHB1B). Identifiers: Orphanet 871, MedGen C1970298, MONDO:0011474, OMIM 604559.

Allele frequency attached by ClinVar (database versions not stated): ExAC 0.00013; gnomAD exomes 0.00015 and 0.00042; 1000 Genomes Project 30x 0.00016; TOPMed 0.00016; 1000 Genomes Project 0.00020; gnomAD 0.00020.
gnomAD v4.1: 625 of 1,614,140 alleles (0.039%); highest among the groups gnomAD compares: Non-Finnish European, 0.05%; 1 homozygote.

Submissions (4):

Labcorp Genetics (formerly Invitae), Labcorp
Classification: Likely benign for Progressive familial heart block type IB. Last evaluated: 2026-01-05. Review status: criteria provided, single submitter. Criteria: Invitae Variant Classification Sherloc (09022015). Collection method: clinical testing. Allele origin: germline.

Blueprint Genetics
Classification: Likely benign. Last evaluated: 2024-10-23. Review status: criteria provided, single submitter. Criteria: ACMG Guidelines, 2015. Collection method: clinical testing. Allele origin: germline.

GeneDx
Classification: Likely benign. Last evaluated: 2020-06-08. Review status: criteria provided, single submitter. Criteria: GeneDx Variant Classification Process June 2021. Collection method: clinical testing. Allele origin: germline. Affected: yes.
Comment: Has not been previously published as pathogenic or benign to our knowledge

Illumina Laboratory Services, Illumina
Classification: Uncertain significance for Progressive familial heart block type IB. Last evaluated: 2018-01-13. Review status: criteria provided, single submitter. Criteria: ICSL Variant Classification Criteria 13 December 2019. Collection method: clinical testing. Allele origin: germline.

NM_017636.4(TRPM4):c.1874-9C>T

Gene: TRPM4 (transient receptor potential cation channel subfamily M member 4; plus strand). Cytogenetic location: 19q13.33.
Variant type: single nucleotide variant.
Coding change: c.1874-9C>T on transcript NM_017636.4 (MANE Select); 9 bases into the intron before coding-DNA position 1874, C replaced by T.
Molecular consequence: intron variant.
Genome position (GRCh38, 1-based): chr19:49,188,937, C>T. VCF-style: chr19-49188937-C-T. GRCh37 (hg19) VCF-style: chr19-49692194-C-T.
Other names: c.1874-9C>T (NM_001195227.2); c.266-9C>T (NM_001321282.2); c.1529-9C>T (NM_001321281.2); c.1352-9C>T (NM_001321283.2); c.812-9C>T (NM_001321285.2).
Identifiers: ClinVar variation 698453 (VCV000698453.18), dbSNP rs199805560, ClinGen allele CA9569370.